The following is an entry in ClinVar:

NC_000001.11:g.20089789del

Gene: PLA2G5 (phospholipase A2 group V; plus strand). Cytogenetic location: 1p36.13.
Variant type: Deletion.
Genome position: GRCh38 VCF-style: chr1-20089787-AG-A. GRCh37 (hg19) VCF-style: chr1-20416280-AG-A.
Identifiers: ClinVar variation 2808541 (VCV002808541.4), dbSNP rs1166254631, ClinGen allele CA521527968.

ClinVar aggregate classification (germline): Conflicting classifications of pathogenicity. Review status: criteria provided, conflicting classifications (1 of 4 stars). 2 submissions from 2 submitters: Likely pathogenic (1); Uncertain significance (1). Last evaluated 2023-06-09.

Conditions:
PLA2G5-related disorders.

Submissions (2):

Labcorp Genetics (formerly Invitae), Labcorp
Classification: Uncertain significance. Last evaluated: 2023-06-09. Review status: criteria provided, single submitter. Criteria: Invitae Variant Classification Sherloc (09022015). Collection method: clinical testing. Allele origin: germline.
Comment: This sequence change creates a premature translational stop signal (p.Trp62Cysfs*44) in the PLA2G5 gene. While this is not anticipated to result in nonsense mediated decay, it is expected to disrupt the last 77 amino acid(s) of the PLA2G5 protein. In summary, the available evidence is currently insufficient to determine the role of this variant in disease. Therefore, it has been classified as a Variant of Uncertain Significance. Algorithms developed to predict the effect of sequence changes on RNA splicing suggest that this variant may disrupt the consensus splice site. This variant has not been reported in the literature in individuals affected with PLA2G5-related conditions. This variant is present in population databases (no rsID available, gnomAD 0.006%).

Blueprint Genetics
Classification: Likely pathogenic for PLA2G5-related disorders. Last evaluated: 2019-12-05. Review status: criteria provided, single submitter. Criteria: ACMG Guidelines, 2015. Collection method: clinical testing. Allele origin: germline. Affected: yes. Observed: 1 variant allele.